The following is an entry in ClinVar:

ClinVar aggregate classification (germline): Uncertain significance (1 of 4 stars; one submission).

Submission:

CeGaT Center for Human Genetics Tuebingen
Classification: Uncertain significance. Last evaluated: 2026-08-01. Review status: criteria provided, single submitter. Criteria: CeGaT Center For Human Genetics Tuebingen Variant Classification Criteria Version 2. Collection method: clinical testing. Allele origin: germline. Affected: yes. Observed: 1 variant allele.
Comment: ASH1L: PM2, PP3

NM_018489.3(ASH1L):c.4031C>A (p.Pro1344His)

Gene: ASH1L (ASH1 like histone lysine methyltransferase; minus strand). Cytogenetic location: 1q22.
Variant type: single nucleotide variant.
Coding change: c.4031C>A on transcript NM_018489.3 (MANE Select); coding-DNA position 4031, C replaced by A.
Protein change: p.Pro1344His; replaces proline 1344 with histidine.
Molecular consequence: missense variant.
Genome position (GRCh38, 1-based): chr1:155,478,839, G>T on the plus strand (C>A on the coding strand, the complement: ASH1L is on the minus strand). VCF-style: chr1-155478839-G-T. GRCh37 (hg19) VCF-style: chr1-155448630-G-T.
Other names: c.4031C>A, p.Pro1344His (NM_001366177.2); short protein forms P1344H.
Identifiers: ClinVar variation 5040583 (VCV005040583.1).